The following is an entry in ClinVar:

NM_002225.5(IVD):c.1186G>C (p.Asp396His)

Gene: IVD (isovaleryl-CoA dehydrogenase; plus strand). Cytogenetic location: 15q15.1.
Variant type: single nucleotide variant.
Coding change: c.1186G>C on transcript NM_002225.5 (MANE Select); coding-DNA position 1186, G replaced by C.
Protein change: p.Asp396His; replaces aspartic acid 396 with histidine.
Molecular consequence: missense variant. On other transcripts: intron variant (3).
Genome position (GRCh38, 1-based): chr15:40,418,177, G>C. VCF-style: chr15-40418177-G-C. GRCh37 (hg19) VCF-style: chr15-40710376-G-C.
Other names: c.1096G>C, p.Asp366His (NM_001159508.3); c.1138G>C, p.Asp380His (NM_001354597.3); c.1273G>C, p.Asp425His (NM_001354599.3); c.1225+1815G>C (NM_001354600.3); c.1138+1815G>C (NM_001354598.3, NM_001354601.3); c.1195G>C (NM_002225.3); short protein forms D366H, D380H, D396H, D425H.
Identifiers: ClinVar variation 2676185 (VCV002676185.21), dbSNP rs1566943451, ClinGen allele CA391724482.

ClinVar aggregate classification (germline): Pathogenic/Likely pathogenic. Review status: criteria provided, multiple submitters, no conflicts (2 of 4 stars). 4 submissions from 4 submitters: Pathogenic (3); Likely pathogenic (1). Last evaluated 2025-02-17.

Conditions:
Isovaleryl-CoA dehydrogenase deficiency (IVA). Also called: ISOVALERIC ACID CoA DEHYDROGENASE DEFICIENCY; Isovaleric acidemia; IVD DEFICIENCY; Classic Isovaleric Acidemia. Identifiers: Orphanet 33, MedGen C0268575, MONDO:0009475, OMIM 243500.

Submissions (4):

Natera, Inc.
Classification: Pathogenic for Isovaleryl-coa dehydrogenase deficiency. Last evaluated: 2025-02-17. Review status: criteria provided, single submitter. Criteria: Natera Variant Classification Schema (03/2026). Collection method: clinical testing. Allele origin: germline.
Comment: The c.1195G>C variant in IVD is a missense variant predicted to cause substitution of aspartic acid to histidine at amino acid 399. This variant is rare in the general population with a frequency below the threshold expected for the associated phenotype(s). This variant has been observed in one or more individuals affected with the associated recessive disease, as either homozygous or compound heterozygous with a second variant (PMID: 32505769, 38863445). Computational prediction algorithms indicate this variant is likely to affect gene or protein function. Given the available evidence, this variant is classified as Pathogenic.

CeGaT Center for Human Genetics Tuebingen
Classification: Pathogenic. Last evaluated: 2024-06-01. Review status: criteria provided, single submitter. Criteria: CeGaT Center For Human Genetics Tuebingen Variant Classification Criteria Version 2. Collection method: clinical testing. Allele origin: germline. Affected: yes. Observed: 1 variant allele.
Comment: IVD: PM3:Strong, PM1, PM2, PP3, PP4

Fulgent Genetics
Classification: Likely pathogenic for Isovaleryl-CoA dehydrogenase deficiency. Last evaluated: 2024-01-09. Review status: criteria provided, single submitter. Criteria: ACMG Guidelines, 2015. Collection method: clinical testing. Allele origin: germline.

Baylor Genetics
Classification: Pathogenic for Isovaleryl-CoA dehydrogenase deficiency. Last evaluated: 2023-10-11. Review status: criteria provided, single submitter. Criteria: ACMG Guidelines, 2015. Collection method: clinical testing. Allele origin: unknown.

Literature cited by the submitters: PubMed 32505769 (cited by Natera, Inc.); PubMed 38863445 (cited by Natera, Inc.).